The following is an entry in ClinVar:

NM_002253.4(KDR):c.1493A>T (p.Glu498Val)

Gene: KDR (kinase insert domain receptor; minus strand). Cytogenetic location: 4q12.
Variant type: single nucleotide variant.
Coding change: c.1493A>T on transcript NM_002253.4 (MANE Select); coding-DNA position 1493, A replaced by T.
Protein change: p.Glu498Val; replaces glutamic acid 498 with valine.
Molecular consequence: missense variant.
Genome position (GRCh38, 1-based): chr4:55,106,730, T>A on the plus strand (A>T on the coding strand, the complement: KDR is on the minus strand). VCF-style: chr4-55106730-T-A. GRCh37 (hg19) VCF-style: chr4-55972897-T-A.
Other names: c.1493A>T (NM_002253.2); short protein forms E498V.
Identifiers: ClinVar variation 134604 (VCV000134604.2), dbSNP rs587778424, ClinGen allele CA160313.

ClinVar aggregate classification (germline): Uncertain significance. Review status: criteria provided, single submitter (1 of 4 stars). 2 submissions from 2 submitters: Uncertain significance (1). 1 of the submissions does not count toward it. Last evaluated 2024-07-05.

Allele frequency attached by ClinVar (database versions not stated): gnomAD exomes below 0.00001; TOPMed below 0.00001; gnomAD 0.00001.

Submissions (2):

Ambry Genetics
Classification: Uncertain significance. Last evaluated: 2024-07-05. Review status: criteria provided, single submitter. Criteria: Ambry Variant Classification Scheme 2023. Collection method: clinical testing. Allele origin: germline.

ITMI
No classification provided. Condition: AllHighlyPenetrant. Last evaluated: 2013-09-19. Review status: no classification provided. Collection method: reference population. Allele origin: germline. Not counted in ClinVar's aggregate classification.
Comment: Please see associated publication for description of ethnicities

Literature cited by the submitters: PubMed 24728327 (cited by ITMI).